The following is an entry in ClinVar:

ClinVar aggregate classification (germline): Uncertain significance (1 of 4 stars; one submission).

Conditions:
Hereditary cancer-predisposing syndrome. Also called: Neoplastic Syndromes, Hereditary; Hereditary Cancer Syndrome; Hereditary neoplastic syndrome; Tumor predisposition. Identifiers: Orphanet 140162, MedGen C0027672, MeSH D009386, MONDO:0015356.

Submission:

Ambry Genetics
Classification: Uncertain significance for Hereditary cancer-predisposing syndrome. Last evaluated: 2026-04-24. Review status: criteria provided, single submitter. Criteria: Ambry Variant Classification Scheme 2023. Collection method: clinical testing. Allele origin: germline.
Comment: The p.A541E variant (also known as c.1622C>A), located in coding exon 11 of the FLCN gene, results from a C to A substitution at nucleotide position 1622. The alanine at codon 541 is replaced by glutamic acid, an amino acid with dissimilar properties. This amino acid position is highly conserved in available vertebrate species. In addition, this alteration is predicted to be deleterious by in silico analysis. Based on the available evidence, the clinical significance of this variant remains unclear.

NM_144997.7(FLCN):c.1622C>A (p.Ala541Glu)

Gene: FLCN (folliculin; minus strand). Cytogenetic location: 17p11.2.
Variant type: single nucleotide variant.
Coding change: c.1622C>A on transcript NM_144997.7 (MANE Select); coding-DNA position 1622, C replaced by A.
Protein change: p.Ala541Glu; replaces alanine 541 with glutamic acid.
Molecular consequence: missense variant.
Genome position (GRCh38, 1-based): chr17:17,213,773, G>T on the plus strand (C>A on the coding strand, the complement: FLCN is on the minus strand). VCF-style: chr17-17213773-G-T. GRCh37 (hg19) VCF-style: chr17-17117087-G-T.
Other names: c.1676C>A, p.Ala559Glu (NM_001353229.2); c.1622C>A, p.Ala541Glu (NM_001353230.2, NM_001353231.2); short protein forms A541E, A559E.
Identifiers: ClinVar variation 4871384 (VCV004871384.1).